The following is an entry in ClinVar:

ClinVar aggregate classification (germline): Uncertain significance. Review status: criteria provided, multiple submitters, no conflicts (2 of 4 stars). 2 submissions from 2 submitters: Uncertain significance (2). Last evaluated 2023-11-27.

Conditions:
Hereditary spastic paraplegia 73. Also called: Spastic paraplegia 73, autosomal dominant. Identifiers: Orphanet 444099, MedGen C5568981, MONDO:0014568, OMIM 616282.

Allele frequency attached by ClinVar (database versions not stated): gnomAD exomes below 0.00001; gnomAD 0.00002; TOPMed 0.00003.
gnomAD v4.1: 4 of 1,613,796 alleles (0.00025%); highest among the groups gnomAD compares: Admixed American, 0.0067%; no homozygotes.

Submissions (2):

Ambry Genetics
Classification: Uncertain significance. Last evaluated: 2023-11-27. Review status: criteria provided, single submitter. Criteria: Ambry Variant Classification Scheme 2023. Collection method: clinical testing. Allele origin: germline.

Labcorp Genetics (formerly Invitae), Labcorp
Classification: Uncertain significance for Hereditary spastic paraplegia 73. Last evaluated: 2023-02-22. Review status: criteria provided, single submitter. Criteria: Invitae Variant Classification Sherloc (09022015). Collection method: clinical testing. Allele origin: germline.
Comment: In summary, the available evidence is currently insufficient to determine the role of this variant in disease. Therefore, it has been classified as a Variant of Uncertain Significance. Advanced modeling of protein sequence and biophysical properties (such as structural, functional, and spatial information, amino acid conservation, physicochemical variation, residue mobility, and thermodynamic stability) performed at Invitae indicates that this missense variant is not expected to disrupt CPT1C protein function. This variant has not been reported in the literature in individuals affected with CPT1C-related conditions. This variant is not present in population databases (gnomAD no frequency). This sequence change replaces phenylalanine, which is neutral and non-polar, with leucine, which is neutral and non-polar, at codon 325 of the CPT1C protein (p.Phe325Leu).

NM_001199753.2(CPT1C):c.1008C>G (p.Phe336Leu)

Gene: CPT1C (carnitine palmitoyltransferase 1C; plus strand). Cytogenetic location: 19q13.33.
Variant type: single nucleotide variant.
Coding change: c.1008C>G on transcript NM_001199753.2 (MANE Select); coding-DNA position 1008, C replaced by G.
Protein change: p.Phe336Leu; replaces phenylalanine 336 with leucine.
Molecular consequence: missense variant. On other transcripts: non-coding transcript variant (1).
Genome position (GRCh38, 1-based): chr19:49,705,952, C>G. VCF-style: chr19-49705952-C-G. GRCh37 (hg19) VCF-style: chr19-50209209-C-G.
Other names: c.1008C>G (NM_001199752.1); c.975C>G, p.Phe325Leu (NM_001136052.3, NM_001378485.1, NM_001378487.1); c.1008C>G, p.Phe336Leu (NM_001199752.3, NM_001378483.1, NM_001378484.1 and 3 more transcripts); c.1074C>G, p.Phe358Leu (NM_001378482.1); short protein forms F336L, F325L, F358L.
Identifiers: ClinVar variation 2713240 (VCV002713240.4), dbSNP rs1010762582, ClinGen allele CA309513063.
Genomic context (GRCh38, chr19:49,705,952, plus strand): 5'-GCCAACGCCACCCCTAGACTACATCCGCCACCTCCATGACAGCCAACACGTGGCTGTCTT[C>G]CACCGGGGCCGATTCTTCCGCATGGGGACCCACTCCCGAAACAGCCTGCTTTCCCCGAGA-3'
Protein context (NP_001186682.1, residues 326-346): HLHDSQHVAV[Phe336Leu]HRGRFFRMGT